The following is an entry in ClinVar:

ClinVar aggregate classification (germline): Benign/Likely benign. Review status: criteria provided, multiple submitters, no conflicts (2 of 4 stars). 5 submissions from 5 submitters: Benign (1); Likely benign (4). Last evaluated 2025-03-25.

Conditions:
Hereditary cancer-predisposing syndrome. Also called: Neoplastic Syndromes, Hereditary; Hereditary neoplastic syndrome; Tumor predisposition; Hereditary Cancer Syndrome. Identifiers: Orphanet 140162, MedGen C0027672, MeSH D009386, MONDO:0015356.
Peutz-Jeghers syndrome (PJS). Also called: POLYPOSIS, HAMARTOMATOUS INTESTINAL; POLYPS-AND-SPOTS SYNDROME; Peutz-Jeghers polyposis; Periorificial lentiginosis syndrome. Identifiers: Orphanet 2869, MedGen C0031269, MeSH D010580, MONDO:0008280, OMIM 175200.

Allele frequency attached by ClinVar (database versions not stated): gnomAD exomes 0.00001; ExAC 0.00002.

Submissions (5):

Myriad Genetics, Inc.
Classification: Benign for Peutz-Jeghers syndrome. Last evaluated: 2025-03-25. Review status: criteria provided, single submitter. Criteria: Myriad Autosomal Dominant, Autosomal Recessive and X-Linked Classification Criteria (2023). Collection method: clinical testing. Allele origin: unknown.
Comment: This variant is considered benign. This variant is a silent/synonymous amino acid change and it is not expected to impact splicing.

Center for Genomic Medicine, Rigshospitalet, Copenhagen University Hospital
Classification: Likely benign. Last evaluated: 2025-03-04. Review status: criteria provided, single submitter. Criteria: ACMG Guidelines, 2015. Collection method: clinical testing. Allele origin: germline.

Labcorp Genetics (formerly Invitae), Labcorp
Classification: Likely benign for Peutz-Jeghers syndrome. Last evaluated: 2025-01-17. Review status: criteria provided, single submitter. Criteria: Invitae Variant Classification Sherloc (09022015). Collection method: clinical testing. Allele origin: germline.

Ambry Genetics
Classification: Likely benign for Hereditary cancer-predisposing syndrome. Last evaluated: 2018-04-12. Review status: criteria provided, single submitter. Criteria: Ambry Variant Classification Scheme 2023. Collection method: clinical testing. Allele origin: germline.

GeneDx
Classification: Likely benign. Last evaluated: 2016-04-13. Review status: criteria provided, single submitter. Criteria: GeneDx Variant Classification (06012015). Collection method: clinical testing. Allele origin: germline. Affected: yes.
Comment: This variant is considered likely benign or benign based on one or more of the following criteria: it is a conservative change, it occurs at a poorly conserved position in the protein, it is predicted to be benign by multiple in silico algorithms, and/or has population frequency not consistent with disease.

NM_000455.5(STK11):c.300A>G (p.Gln100=)

Gene: STK11 (serine/threonine kinase 11; plus strand). Cytogenetic location: 19p13.3.
Variant type: single nucleotide variant.
Coding change: c.300A>G on transcript NM_000455.5 (MANE Select); coding-DNA position 300, A replaced by G.
Protein change: p.Gln100=; no amino-acid change (glutamine 100 retained).
Molecular consequence: synonymous variant.
Genome position (GRCh38, 1-based): chr19:1,218,426, A>G. VCF-style: chr19-1218426-A-G. GRCh37 (hg19) VCF-style: chr19-1218425-A-G.
Identifiers: ClinVar variation 385540 (VCV000385540.23), dbSNP rs765890997, ClinGen allele CA047014.
Genomic context (GRCh38, chr19:1,218,426, plus strand): 5'-CATCATCCTGACGTTGGGTCGGCTGATACACCCCTGTCCTCTCTGTCCCAGGGAAATTCA[A>G]CTACTGAGGAGGTTACGGCACAAAAATGTCATCCAGCTGGTGGATGTGTTATACAACGAA-3'
Protein context (NP_000446.1, residues 90-110): NGEANVKKEI[Gln100=]LLRRLRHKNV